The following is an entry in ClinVar:

ClinVar aggregate classification (germline): Likely benign. Review status: criteria provided, multiple submitters, no conflicts (2 of 4 stars). 2 submissions from 2 submitters: Likely benign (2). Last evaluated 2026-01-22.

Conditions:
Hypermethioninemia with deficiency of S-adenosylhomocysteine hydrolase. Identifiers: Orphanet 88618, MedGen C3151058, MONDO:0013404, OMIM 613752.

Allele frequency attached by ClinVar (database versions not stated): ExAC 0.00002; gnomAD exomes 0.00002; gnomAD 0.00003; TOPMed 0.00003.
gnomAD v4.1: 38 of 1,613,764 alleles (0.0024%); highest among the groups gnomAD compares: Admixed American, 0.0067%; no homozygotes.

Submissions (2):

Labcorp Genetics (formerly Invitae), Labcorp
Classification: Likely benign for Hypermethioninemia with deficiency of S-adenosylhomocysteine hydrolase. Last evaluated: 2026-01-22. Review status: criteria provided, single submitter. Criteria: Invitae Variant Classification Sherloc (09022015). Collection method: clinical testing. Allele origin: germline.

CeGaT Center for Human Genetics Tuebingen
Classification: Likely benign. Last evaluated: 2022-07-01. Review status: criteria provided, single submitter. Criteria: CeGaT Center For Human Genetics Tuebingen Variant Classification Criteria Version 2. Collection method: clinical testing. Allele origin: germline. Affected: yes. Observed: 1 variant allele.
Comment: AHCY: BP4, BP7

NM_000687.4(AHCY):c.714C>T (p.Arg238=)

Gene: AHCY (adenosylhomocysteinase; minus strand). Cytogenetic location: 20q11.22.
Variant type: single nucleotide variant.
Coding change: c.714C>T on transcript NM_000687.4 (MANE Select); coding-DNA position 714, C replaced by T.
Protein change: p.Arg238=; no amino-acid change (arginine 238 retained).
Molecular consequence: synonymous variant.
Genome position (GRCh38, 1-based): chr20:34,290,783, G>A on the plus strand (C>T on the coding strand, the complement: AHCY is on the minus strand). VCF-style: chr20-34290783-G-A. GRCh37 (hg19) VCF-style: chr20-32878589-G-A.
Other names: c.630C>T, p.Arg210= (NM_001161766.2, NM_001322084.2, NM_001322085.2); c.720C>T, p.Arg240= (NM_001322086.2); c.714C>T, p.Arg238= (NM_001362750.2).
Identifiers: ClinVar variation 1981725 (VCV001981725.28), dbSNP rs557458892, ClinGen allele CA9820915.